The following is an entry in ClinVar:

NM_012123.4(MTO1):c.-45C>A

Gene: MTO1 (mitochondrial tRNA translation optimization 1; plus strand). Cytogenetic location: 6q13.
Variant type: single nucleotide variant.
Coding change: c.-45C>A on transcript NM_012123.4 (MANE Select); 45 bases upstream of the start codon, C replaced by A.
Molecular consequence: 5 prime UTR variant.
Genome position (GRCh38, 1-based): chr6:73,461,810, C>A. VCF-style: chr6-73461810-C-A. GRCh37 (hg19) VCF-style: chr6-74171533-C-A.
Other names: c.-45C>A (NM_001123226.2, NM_133645.3).
Identifiers: ClinVar variation 384261 (VCV000384261.1), dbSNP rs375406465, ClinGen allele CA3889191.
Genomic context (GRCh38, chr6:73,461,810, plus strand): 5'-ATATTAAAGCAAGATGGCCGCGCCCTGCAGATTGTCTCTTGTTGCGTAAGTTTTTTTGAC[C>A]GTCACTCGTGTCAGCTTCAAAGTCAGATAGATTTTTCTCCCAGCATGTTCTACTTCCGAG-3'

ClinVar aggregate classification (germline): Likely benign (1 of 4 stars; one submission).

Allele frequency attached by ClinVar (database versions not stated): gnomAD exomes 0.00007; TOPMed 0.00017; gnomAD 0.00010; ESP Exome Variant Server 0.00015; 1000 Genomes Project 30x 0.00016; 1000 Genomes Project 0.00020; ExAC 0.00005.
gnomAD v4.1: 58 of 1,582,542 alleles (0.0037%); highest among the groups gnomAD compares: African/African-American, 0.073%; no homozygotes.

Submission:

GeneDx
Classification: Likely benign. Last evaluated: 2016-04-01. Review status: criteria provided, single submitter. Criteria: GeneDx Variant Classification (06012015). Collection method: clinical testing. Allele origin: germline. Affected: yes.
Comment: This variant is considered likely benign or benign based on one or more of the following criteria: it is a conservative change, it occurs at a poorly conserved position in the protein, it is predicted to be benign by multiple in silico algorithms, and/or has population frequency not consistent with disease.